The following is an entry in ClinVar:

ClinVar aggregate classification (germline): Uncertain significance (1 of 4 stars; one submission).

Submission:

Labcorp Genetics (formerly Invitae), Labcorp
Classification: Uncertain significance. Last evaluated: 2023-09-23. Review status: criteria provided, single submitter. Criteria: Invitae Variant Classification Sherloc (09022015). Collection method: clinical testing. Allele origin: germline.
Comment: This variant has not been reported in the literature in individuals affected with C3-related conditions. In summary, the available evidence is currently insufficient to determine the role of this variant in disease. Therefore, it has been classified as a Variant of Uncertain Significance. Advanced modeling of protein sequence and biophysical properties (such as structural, functional, and spatial information, amino acid conservation, physicochemical variation, residue mobility, and thermodynamic stability) performed at Invitae indicates that this missense variant is expected to disrupt C3 protein function. This variant is not present in population databases (gnomAD no frequency). This sequence change replaces alanine, which is neutral and non-polar, with proline, which is neutral and non-polar, at codon 1065 of the C3 protein (p.Ala1065Pro).

NM_000064.4(C3):c.3193G>C (p.Ala1065Pro)

Gene: C3 (complement C3; minus strand). Cytogenetic location: 19p13.3.
Variant type: single nucleotide variant.
Coding change: c.3193G>C on transcript NM_000064.4 (MANE Select); coding-DNA position 3193, G replaced by C.
Protein change: p.Ala1065Pro; replaces alanine 1065 with proline.
Molecular consequence: missense variant.
Genome position (GRCh38, 1-based): chr19:6,693,449, C>G on the plus strand (G>C on the coding strand, the complement: C3 is on the minus strand). VCF-style: chr19-6693449-C-G. GRCh37 (hg19) VCF-style: chr19-6693460-C-G.
Other names: short protein forms A1065P.
Identifiers: ClinVar variation 2823341 (VCV002823341.3), dbSNP rs2512242945, ClinGen allele CA403627160.